The following is an entry in ClinVar:

NM_001614.5(ACTG1):c.1113C>T (p.His371=)

Gene: ACTG1 (actin gamma 1; minus strand). Cytogenetic location: 17q25.3.
Variant type: single nucleotide variant.
Coding change: c.1113C>T on transcript NM_001614.5 (MANE Select); coding-DNA position 1113, C replaced by T.
Protein change: p.His371=; no amino-acid change (histidine 371 retained).
Molecular consequence: synonymous variant. On other transcripts: non-coding transcript variant (1).
Genome position (GRCh38, 1-based): chr17:81,510,705, G>A on the plus strand (C>T on the coding strand, the complement: ACTG1 is on the minus strand). VCF-style: chr17-81510705-G-A. GRCh37 (hg19) VCF-style: chr17-79477731-G-A.
Other names: c.1113C>T, p.His371= (NM_001199954.3).
Identifiers: ClinVar variation 561777 (VCV000561777.28), dbSNP rs117765323, ClinGen allele CA8835821.

ClinVar aggregate classification (germline): Benign/Likely benign. Review status: criteria provided, multiple submitters, no conflicts (2 of 4 stars). 8 submissions from 7 submitters: Benign (6); Likely benign (2). Last evaluated 2026-03-01.

Conditions:
Autosomal dominant nonsyndromic hearing loss 20. Identifiers: Orphanet 90635, MedGen C1858172, MONDO:0011480, OMIM 604717.
Baraitser-winter syndrome 2. Identifiers: Orphanet 2995, MedGen C3281235, MONDO:0013812, OMIM 614583.

Allele frequency attached by ClinVar (database versions not stated): gnomAD exomes 0.00021 and 0.00068; gnomAD 0.00028 and 0.00039; TOPMed 0.00052; ExAC 0.00062; 1000 Genomes Project 30x 0.00141; 1000 Genomes Project 0.00180.
gnomAD v4.1: 377 of 1,614,086 alleles (0.023%); highest among the groups gnomAD compares: East Asian, 0.75%; 1 homozygote.

Submissions (8):

CeGaT Center for Human Genetics Tuebingen
Classification: Likely benign. Last evaluated: 2026-03-01. Review status: criteria provided, single submitter. Criteria: CeGaT Center For Human Genetics Tuebingen Variant Classification Criteria Version 2. Collection method: clinical testing. Allele origin: germline. Affected: yes. Observed: 2 variant alleles.
Comment: ACTG1: BP4, BP7

Labcorp Genetics (formerly Invitae), Labcorp
Classification: Benign for Baraitser-winter syndrome 2; Autosomal dominant nonsyndromic hearing loss 20. Last evaluated: 2026-01-30. Review status: criteria provided, single submitter. Criteria: Invitae Variant Classification Sherloc (09022015). Collection method: clinical testing. Allele origin: germline.

Blueprint Genetics
Classification: Likely benign. Last evaluated: 2024-09-25. Review status: criteria provided, single submitter. Criteria: ACMG Guidelines, 2015. Collection method: clinical testing. Allele origin: germline.

Genome-Nilou Lab
Classification: Benign for Baraitser-winter syndrome 2. Last evaluated: 2021-12-05. Review status: criteria provided, single submitter. Criteria: ACMG Guidelines, 2015. Collection method: clinical testing. Allele origin: germline. Affected: no.

Genome-Nilou Lab
Classification: Benign for Autosomal dominant nonsyndromic hearing loss 20. Last evaluated: 2021-12-05. Review status: criteria provided, single submitter. Criteria: ACMG Guidelines, 2015. Collection method: clinical testing. Allele origin: germline. Affected: no.

GeneDx
Classification: Benign. Last evaluated: 2018-04-13. Review status: criteria provided, single submitter. Criteria: GeneDx Variant Classification (06012015). Collection method: clinical testing. Allele origin: germline. Affected: yes.
Comment: This variant is considered likely benign or benign based on one or more of the following criteria: it is a conservative change, it occurs at a poorly conserved position in the protein, it is predicted to be benign by multiple in silico algorithms, and/or has population frequency not consistent with disease.

Laboratory for Molecular Medicine, Mass General Brigham Personalized Medicine
Classification: Benign. Last evaluated: 2018-02-15. Review status: criteria provided, single submitter. Criteria: LMM Criteria. Collection method: clinical testing. Allele origin: germline. Observed: 1 variant allele.
Comment: p.His371His in Exon 06 of ACTG1: This variant is not expected to have clinical s ignificance because it does not alter an amino acid residue, is not located with in the splice consensus sequence, and it has been identified in 0.9% (172/18866) of East Asian chromosomes by the Genome Aggregation Database (gnomAD; dbSNP rs117765323).

Breakthrough Genomics
Classification: Benign. Review status: criteria provided, single submitter. Criteria: ACMG Guidelines, 2015. Collection method: not provided. Allele origin: germline. Inheritance: Autosomal dominant inheritance. Affected: yes.